The following is an entry in ClinVar:

ClinVar aggregate classification (germline): Uncertain significance. Review status: criteria provided, multiple submitters, no conflicts (2 of 4 stars). 2 submissions from 2 submitters: Uncertain significance (2). Last evaluated 2023-08-10.

Submissions (2):

Blueprint Genetics
Classification: Uncertain significance. Last evaluated: 2023-08-10. Review status: criteria provided, single submitter. Criteria: ACMG Guidelines, 2015. Collection method: clinical testing. Allele origin: germline.

Labcorp Genetics (formerly Invitae), Labcorp
Classification: Uncertain significance. Last evaluated: 2023-03-27. Review status: criteria provided, single submitter. Criteria: Invitae Variant Classification Sherloc (09022015). Collection method: clinical testing. Allele origin: germline.
Comment: This sequence change replaces glutamic acid, which is acidic and polar, with lysine, which is basic and polar, at codon 257 of the CACNA1F protein (p.Glu257Lys). This variant is not present in population databases (gnomAD no frequency). This variant has not been reported in the literature in individuals affected with CACNA1F-related conditions. Advanced modeling of protein sequence and biophysical properties (such as structural, functional, and spatial information, amino acid conservation, physicochemical variation, residue mobility, and thermodynamic stability) performed at Invitae indicates that this missense variant is expected to disrupt CACNA1F protein function. In summary, the available evidence is currently insufficient to determine the role of this variant in disease. Therefore, it has been classified as a Variant of Uncertain Significance.

NM_001256789.3(CACNA1F):c.769G>A (p.Glu257Lys)

Gene: CACNA1F (calcium voltage-gated channel subunit alpha1 F; minus strand). Cytogenetic location: Xp11.23.
Variant type: single nucleotide variant.
Coding change: c.769G>A on transcript NM_001256789.3 (MANE Select); coding-DNA position 769, G replaced by A.
Protein change: p.Glu257Lys; replaces glutamic acid 257 with lysine.
Molecular consequence: missense variant.
Genome position (GRCh38, 1-based): chrX:49,230,268, C>T on the plus strand (G>A on the coding strand, the complement: CACNA1F is on the minus strand). VCF-style: chrX-49230268-C-T. GRCh37 (hg19) VCF-style: chrX-49086730-C-T.
Other names: c.574G>A, p.Glu192Lys (NM_001256790.3); c.769G>A, p.Glu257Lys (NM_005183.4); short protein forms E192K, E257K.
Identifiers: ClinVar variation 2844113 (VCV002844113.4), dbSNP rs2519136886, ClinGen allele CA412924387.